The following is an entry in ClinVar:

NM_000059.4(BRCA2):c.8879A>G (p.Gln2960Arg)

Gene: BRCA2 (BRCA2 DNA repair associated; plus strand). Cytogenetic location: 13q13.1.
Variant type: single nucleotide variant.
Coding change: c.8879A>G on transcript NM_000059.4 (MANE Select); coding-DNA position 8879, A replaced by G.
Protein change: p.Gln2960Arg; replaces glutamine 2960 with arginine.
Molecular consequence: missense variant.
Genome position (GRCh38, 1-based): chr13:32,379,441, A>G. VCF-style: chr13-32379441-A-G. GRCh37 (hg19) VCF-style: chr13-32953578-A-G.
Other names: short protein forms Q2960R.
Identifiers: ClinVar variation 462499 (VCV000462499.9), dbSNP rs757088844, ClinGen allele CA6941308.

ClinVar aggregate classification (germline): Uncertain significance (1 of 4 stars; one submission).

Conditions:
Hereditary breast ovarian cancer syndrome. Also called: Hereditary breast and ovarian cancer syndrome (HBOC); Hereditary breast and ovarian cancer syndrome; Breast and ovarian cancer; Hereditary breast and/or ovarian cancer syndrome; Hereditary breast and ovarian cancer; BRCA1- and BRCA2-Associated Hereditary Breast and Ovarian Cancer. Identifiers: Orphanet 145, MedGen C0677776, MeSH D061325, MONDO:0003582. Disease mechanism: loss of function.

Allele frequency attached by ClinVar (database versions not stated): gnomAD exomes below 0.00001; ExAC 0.00001.
gnomAD v4.1: 2 of 1,613,578 alleles (0.00012%); highest among the groups gnomAD compares: Non-Finnish European, 0.000085%; no homozygotes.

Submission:

Labcorp Genetics (formerly Invitae), Labcorp
Classification: Uncertain significance for Hereditary breast ovarian cancer syndrome. Last evaluated: 2017-05-01. Review status: criteria provided, single submitter. Criteria: Invitae Variant Classification Sherloc (09022015). Collection method: clinical testing. Allele origin: germline.
Comment: In summary, this variant is a rare missense change that is not predicted to affect protein function. There is no indication that it causes disease, but the available evidence is currently insufficient to prove that conclusively. Therefore, it has been classified as a Variant of Uncertain Significance. Algorithms developed to predict the effect of missense changes on protein structure and function (SIFT, PolyPhen-2, Align-GVGD) all suggest that this variant is likely to be tolerated, but these predictions have not been confirmed by published functional studies. This variant is present in population databases (rs757088844, ExAC 0.002%) but has not been reported in the literature in individuals with a BRCA2-related disease. This sequence change replaces glutamine with arginine at codon 2960 of the BRCA2 protein (p.Gln2960Arg). The glutamine residue is weakly conserved and there is a small physicochemical difference between glutamine and arginine.